The following is an entry in ClinVar:

NM_021096.4(CACNA1I):c.3667-6C>T

Gene: CACNA1I (calcium voltage-gated channel subunit alpha1 I; plus strand). Cytogenetic location: 22q13.1.
Variant type: single nucleotide variant.
Coding change: c.3667-6C>T on transcript NM_021096.4 (MANE Select); 6 bases into the intron before coding-DNA position 3667, C replaced by T.
Molecular consequence: intron variant.
Genome position (GRCh38, 1-based): chr22:39,664,733, C>T. VCF-style: chr22-39664733-C-T. GRCh37 (hg19) VCF-style: chr22-40060738-C-T.
Other names: c.3562-6C>T (NM_001003406.2).
Identifiers: ClinVar variation 5039384 (VCV005039384.1).

ClinVar aggregate classification (germline): Likely benign (1 of 4 stars; one submission).

gnomAD v4.1: 147 of 1,568,056 alleles (0.0094%); highest among the groups gnomAD compares: East Asian, 0.29%; no homozygotes.

Submission:

CeGaT Center for Human Genetics Tuebingen
Classification: Likely benign. Last evaluated: 2026-08-01. Review status: criteria provided, single submitter. Criteria: CeGaT Center For Human Genetics Tuebingen Variant Classification Criteria Version 2. Collection method: clinical testing. Allele origin: germline. Affected: yes. Observed: 1 variant allele.
Comment: CACNA1I: BP4, BS2